The following is an entry in ClinVar:

ClinVar aggregate classification (germline): Pathogenic (1 of 4 stars; one submission).

Conditions:
Neuronopathy, distal hereditary motor, autosomal recessive 4. Also called: Autosomal recessive lower motor neuron disease with childhood onset; NEUROPATHY, DISTAL HEREDITARY MOTOR, AUTOSOMAL RECESSIVE 4. Identifiers: Orphanet 206580, MedGen C1970211, MONDO:0012608, OMIM 611067.
Charcot-Marie-Tooth disease recessive intermediate C. Also called: CHARCOT-MARIE-TOOTH NEUROPATHY, RECESSIVE INTERMEDIATE C. Identifiers: Orphanet 369867, MedGen C3809309, MONDO:0014154, OMIM 615376.

Submission:

Labcorp Genetics (formerly Invitae), Labcorp
Classification: Pathogenic for Neuronopathy, distal hereditary motor, autosomal recessive 4; Charcot-Marie-Tooth disease recessive intermediate C. Last evaluated: 2024-02-16. Review status: criteria provided, single submitter. Criteria: Invitae Variant Classification Sherloc (09022015). Collection method: clinical testing. Allele origin: germline.
Comment: This sequence change creates a premature translational stop signal (p.Leu538Hisfs*110) in the PLEKHG5 gene. It is expected to result in an absent or disrupted protein product. Loss-of-function variants in PLEKHG5 are known to be pathogenic (PMID: 17564964, 23777631). This variant is not present in population databases (gnomAD no frequency). This variant has not been reported in the literature in individuals affected with PLEKHG5-related conditions. For these reasons, this variant has been classified as Pathogenic.

Literature cited by the submitters: PubMed 17564964; PubMed 23777631.

NM_020631.6(PLEKHG5):c.1613_1632del (p.Leu538fs)

Gene: PLEKHG5 (pleckstrin homology and RhoGEF domain containing G5; minus strand). Cytogenetic location: 1p36.31.
Variant type: Deletion.
Coding change: c.1613_1632del on transcript NM_020631.6 (MANE Select); coding-DNA positions 1613 to 1632, 20 bases deleted (TGGCGGCCGTGGTGAGCCGC).
Protein change: p.Leu538fs; shifts the reading frame from leucine 538.
Molecular consequence: frameshift variant.
Genome position (GRCh38, 1-based): chr1:6,470,554-6,470,573, GCGGCTCACCACGGCCGCCA deleted on the plus strand (TGGCGGCCGTGGTGAGCCGC on the coding strand, the reverse complement: PLEKHG5 is on the minus strand); deleting any 20 consecutive bases within chr1:6,470,554-6,470,575 gives the same sequence; the c. name uses the placement nearest the transcript's 3' end. VCF-style (leftmost placement, unchanged base first): chr1-6470553-TGCGGCTCACCACGGCCGCCA-T. GRCh37 (hg19) VCF-style: chr1-6530613-TGCGGCTCACCACGGCCGCCA-T.
Other names: c.1724_1743del, p.Leu575fs (NM_001042663.3, NM_001265592.2); c.1613_1632del, p.Leu538fs (NM_001042664.2, NM_001042665.2, NM_001265594.3 and 1 more transcripts); c.1820_1839del, p.Leu607fs (NM_001265593.2); short protein forms L538fs, L575fs, L607fs.
Identifiers: ClinVar variation 3749989 (VCV003749989.2).
Genomic context (GRCh38, chr1:6,470,553, plus strand): 5'-CACACACGCCCACCTTGTCCACTTCGTCGCTGCTGCTTTCCACCACCTCGTAGGCGTCGA[TGCGGCTCACCACGGCCGCCA>T]GCCGCTGCCGCTCCTGCCGCTGCCGCATGCACGCGTTCACGTGGTGGATGAAGCGCTCCA-3'